The following is an entry in ClinVar:

NM_017999.5(RNF31):c.1052G>A (p.Arg351Gln)

Gene: RNF31 (ring finger protein 31; plus strand). Cytogenetic location: 14q12.
Variant type: single nucleotide variant.
Coding change: c.1052G>A on transcript NM_017999.5 (MANE Select); coding-DNA position 1052, G replaced by A.
Protein change: p.Arg351Gln; replaces arginine 351 with glutamine.
Molecular consequence: missense variant.
Genome position (GRCh38, 1-based): chr14:24,150,303, G>A. VCF-style: chr14-24150303-G-A. GRCh37 (hg19) VCF-style: chr14-24619512-G-A.
Other names: c.599G>A, p.Arg200Gln (NM_001310332.2); short protein forms R200Q, R351Q.
Identifiers: ClinVar variation 1027343 (VCV001027343.9), dbSNP rs549177842, ClinGen allele CA7125688.

ClinVar aggregate classification (germline): Uncertain significance. Review status: criteria provided, multiple submitters, no conflicts (2 of 4 stars). 2 submissions from 2 submitters: Uncertain significance (2). Last evaluated 2025-11-30.

Allele frequency attached by ClinVar (database versions not stated): TOPMed 0.00001.

Submissions (2):

Labcorp Genetics (formerly Invitae), Labcorp
Classification: Uncertain significance. Last evaluated: 2025-11-30. Review status: criteria provided, single submitter. Criteria: Invitae Variant Classification Sherloc (09022015). Collection method: clinical testing. Allele origin: germline.
Comment: This sequence change replaces arginine, which is basic and polar, with glutamine, which is neutral and polar, at codon 351 of the RNF31 protein (p.Arg351Gln). This variant is present in population databases (rs549177842, gnomAD 0.004%). This variant has not been reported in the literature in individuals affected with RNF31-related conditions. ClinVar contains an entry for this variant (Variation ID: 1027343). An algorithm developed to predict the effect of missense changes on protein structure and function (PolyPhen-2) suggests that this variant is likely to be disruptive. Algorithms developed to predict the effect of sequence changes on RNA splicing suggest that this variant may create or strengthen a splice site. In summary, the available evidence is currently insufficient to determine the role of this variant in disease. Therefore, it has been classified as a Variant of Uncertain Significance.

Blueprint Genetics
Classification: Uncertain significance. Last evaluated: 2022-03-08. Review status: criteria provided, single submitter. Criteria: ACMG Guidelines, 2015. Collection method: clinical testing. Allele origin: germline.